The following is an entry in ClinVar:

NM_000089.4(COL1A2):c.3679T>A (p.Trp1227Arg)

Gene: COL1A2 (collagen type I alpha 2 chain; plus strand). Cytogenetic location: 7q21.3.
Variant type: single nucleotide variant.
Coding change: c.3679T>A on transcript NM_000089.4 (MANE Select); coding-DNA position 3679, T replaced by A.
Protein change: p.Trp1227Arg; replaces tryptophan 1227 with arginine.
Molecular consequence: missense variant.
Genome position (GRCh38, 1-based): chr7:94,428,445, T>A. VCF-style: chr7-94428445-T-A. GRCh37 (hg19) VCF-style: chr7-94057757-T-A.
Other names: short protein forms W1227R.
Identifiers: ClinVar variation 4790301 (VCV004790301.1).
Genomic context (GRCh38, chr7:94,428,445, plus strand): 5'-CAACCTGAAAACATCCCAGCCAAGAACTGGTATAGGAGCTCCAAGGACAAGAAACACGTC[T>A]GGCTAGGAGAAACTATCAATGCTGGCAGCCAGGTGAGGAATCCCACAAACACCTCTCCTT-3'
Protein context (NP_000080.2, residues 1217-1237): YRSSKDKKHV[Trp1227Arg]LGETINAGSQ

ClinVar aggregate classification (germline): Uncertain significance (1 of 4 stars; one submission).

Conditions:
Ehlers-Danlos syndrome, classic type, 1 (EDSCL1). Also called: EHLERS-DANLOS SYNDROME, GRAVIS TYPE; EHLERS-DANLOS SYNDROME, SEVERE CLASSIC TYPE; Ehlers-Danlos syndrome, type 1; Ehlers-Danlos Syndrome, Classic Type, COL5A1-Related; EDS I. Identifiers: MedGen C0268335, MONDO:0019567, OMIM 130000.
Osteogenesis imperfecta type I (OI1). Also called: OI, TYPE I; OSTEOGENESIS IMPERFECTA TARDA; OSTEOGENESIS IMPERFECTA WITH BLUE SCLERAE; Osteogenesis imperfecta type 1; Lobstein's Disease; Lobstein disease. Identifiers: Orphanet 216796, Orphanet 666, MedGen C0023931, MONDO:0008146, OMIM 166200. Disease mechanism: loss of function.

gnomAD v4.1: 4 of 1,614,008 alleles (0.00025%); highest among the groups gnomAD compares: Non-Finnish European, 0.00034%; no homozygotes.

Submission:

Labcorp Genetics (formerly Invitae), Labcorp
Classification: Uncertain significance for Osteogenesis imperfecta type I; Ehlers-Danlos syndrome, classic type, 1. Last evaluated: 2025-08-26. Review status: criteria provided, single submitter. Criteria: Invitae Variant Classification Sherloc (09022015). Collection method: clinical testing. Allele origin: germline.
Comment: This sequence change replaces tryptophan, which is neutral and slightly polar, with arginine, which is basic and polar, at codon 1227 of the COL1A2 protein (p.Trp1227Arg). This variant is not present in population databases (gnomAD no frequency). This variant has not been reported in the literature in individuals affected with COL1A2-related conditions. Invitae Evidence Modeling of protein sequence and biophysical properties (such as structural, functional, and spatial information, amino acid conservation, physicochemical variation, residue mobility, and thermodynamic stability) indicates that this missense variant is expected to disrupt COL1A2 protein function with a positive predictive value of 80%. In summary, the available evidence is currently insufficient to determine the role of this variant in disease. Therefore, it has been classified as a Variant of Uncertain Significance.